The following is an entry in ClinVar:

ClinVar aggregate classification (germline): Likely benign. Review status: criteria provided, single submitter (1 of 4 stars). 2 submissions from 2 submitters: Likely benign (1). 1 of the submissions does not count toward it. Last evaluated 2023-07-16.

Conditions:
ITSN2-related disorder. Also called: ITSN2-related condition.

Allele frequency attached by ClinVar (database versions not stated): gnomAD 0.00003; ESP Exome Variant Server 0.00008.
gnomAD v4.1: 27 of 1,613,232 alleles (0.0017%); highest among the groups gnomAD compares: Middle Eastern, 0.016%; no homozygotes.

Submissions (2):

Labcorp Genetics (formerly Invitae), Labcorp
Classification: Likely benign. Last evaluated: 2023-07-16. Review status: criteria provided, single submitter. Criteria: Invitae Variant Classification Sherloc (09022015). Collection method: clinical testing. Allele origin: germline.

PreventionGenetics, part of Exact Sciences
Classification: Likely benign for ITSN2-related condition. Last evaluated: 2019-05-03. Review status: no assertion criteria provided. Collection method: clinical testing. Allele origin: germline. Not counted in ClinVar's aggregate classification.
Comment: This variant is classified as likely benign based on ACMG/AMP sequence variant interpretation guidelines (Richards et al. 2015 PMID: 25741868, with internal and published modifications).

NM_006277.3(ITSN2):c.3510C>T (p.Asn1170=)

Gene: ITSN2 (intersectin 2; minus strand). Cytogenetic location: 2p23.3.
Variant type: single nucleotide variant.
Coding change: c.3510C>T on transcript NM_006277.3 (MANE Select); coding-DNA position 3510, C replaced by T.
Protein change: p.Asn1170=; no amino-acid change (asparagine 1170 retained).
Molecular consequence: synonymous variant.
Genome position (GRCh38, 1-based): chr2:24,246,196, G>A on the plus strand (C>T on the coding strand, the complement: ITSN2 is on the minus strand). VCF-style: chr2-24246196-G-A. GRCh37 (hg19) VCF-style: chr2-24469065-G-A.
Other names: c.3510C>T (NM_006277.2); c.3468C>T, p.Asn1156= (NM_001348181.2); c.3390C>T, p.Asn1130= (NM_001348182.2, NM_001348186.2); c.3429C>T, p.Asn1143= (NM_001348183.2, NM_019595.4); c.3387C>T, p.Asn1129= (NM_001348184.2); c.3471C>T, p.Asn1157= (NM_001348185.2); c.3510C>T, p.Asn1170= (NM_147152.3).
Identifiers: ClinVar variation 2712617 (VCV002712617.5), dbSNP rs148366891, ClinGen allele CA43573664.
Genomic context (GRCh38, chr2:24,246,196, plus strand): 5'-ACTTGGATCTGAGTCTGTCGTCATCTTAACGTAGTTTGAAGGAAAGAGACCAGTCACCCC[G>A]TTGATCTCTCCTTGCCACCAATCAGGATCATCTTTGTTCATAACATTAATGAGTTGTCCC-3'
Protein context (NP_006268.2, residues 1160-1180): DDPDWWQGEI[Asn1170=]GVTGLFPSNY